The following is an entry in ClinVar:

ClinVar aggregate classification (germline): Uncertain significance. Review status: criteria provided, multiple submitters, no conflicts (2 of 4 stars). 3 submissions from 3 submitters: Uncertain significance (3). Last evaluated 2025-03-16.

Conditions:
Inborn genetic diseases. Identifiers: MedGen C0950123, MeSH D030342.

gnomAD v4.1: 195 of 1,559,990 alleles (0.013%); highest among the groups gnomAD compares: Non-Finnish European, 0.016%; 1 homozygote.

Submissions (3):

Ambry Genetics
Classification: Uncertain significance for Inborn genetic diseases. Last evaluated: 2025-03-16. Review status: criteria provided, single submitter. Criteria: Ambry Variant Classification Scheme 2023. Collection method: clinical testing. Allele origin: germline.

Blueprint Genetics
Classification: Uncertain significance. Last evaluated: 2024-01-23. Review status: criteria provided, single submitter. Criteria: ACMG Guidelines, 2015. Collection method: clinical testing. Allele origin: germline.

GeneDx
Classification: Uncertain significance. Last evaluated: 2023-08-03. Review status: criteria provided, single submitter. Criteria: GeneDx Variant Classification Process June 2021. Collection method: clinical testing. Allele origin: germline. Affected: yes.
Comment: Not observed at significant frequency in large population cohorts (gnomAD); In silico analysis supports that this missense variant has a deleterious effect on protein structure/function; Has not been previously published as pathogenic or benign to our knowledge

NM_031475.3(ESPN):c.544G>A (p.Glu182Lys)

Gene: ESPN (espin; plus strand). Cytogenetic location: 1p36.31.
Variant type: single nucleotide variant.
Coding change: c.544G>A on transcript NM_031475.3 (MANE Select); coding-DNA position 544, G replaced by A.
Protein change: p.Glu182Lys; replaces glutamic acid 182 with lysine.
Molecular consequence: missense variant.
Genome position (GRCh38, 1-based): chr1:6,440,309, G>A. VCF-style: chr1-6440309-G-A. GRCh37 (hg19) VCF-style: chr1-6500369-G-A.
Other names: c.544G>A, p.Glu182Lys (NM_001367473.1, NM_001367474.1); short protein forms E182K.
Identifiers: ClinVar variation 3361903 (VCV003361903.3).
Genomic context (GRCh38, chr1:6,440,309, plus strand): 5'-CGCAGGGGAGTGAATGCCCAAACCAAGAACGGTGCCACGCCCCTGTACCTGGCGTGCCAG[G>A]AGGGCCACCTGGAGGTGACCCAGTACCTGGTGCAGGAATGCGGCGCAGACCCGCACGCGC-3'
Protein context (NP_113663.2, residues 172-192): GATPLYLACQ[Glu182Lys]GHLEVTQYLV